The following is an entry in ClinVar:

ClinVar aggregate classification (germline): Uncertain significance. Review status: criteria provided, multiple submitters, no conflicts (2 of 4 stars). 3 submissions from 3 submitters: Uncertain significance (3). Last evaluated 2024-04-01.

Conditions:
Mosaic variegated aneuploidy syndrome 1 (MVA1). Also called: Warburton-Anyane-Yeboa syndrome. Identifiers: Orphanet 1052, MedGen C1850343, MONDO:0009759, OMIM 257300.
Premature chromatid separation trait (PCS). Also called: TOTAL PREMATURE CHROMATID SEPARATION TRAIT. Identifiers: MedGen C1864389, MONDO:0008304, OMIM 176430.
Colorectal cancer. Also called: Malignant Colorectal Neoplasm; Colorectal cancer, somatic. Identifiers: MedGen C0346629, MONDO:0005575, OMIM 114500.
Inborn genetic diseases. Identifiers: MedGen C0950123, MeSH D030342.

Allele frequency attached by ClinVar (database versions not stated): gnomAD 0.00001; gnomAD exomes 0.00001; TOPMed 0.00001.

Submissions (3):

Ambry Genetics
Classification: Uncertain significance for Inborn genetic diseases. Last evaluated: 2024-04-01. Review status: criteria provided, single submitter. Criteria: Ambry Variant Classification Scheme 2023. Collection method: clinical testing. Allele origin: germline.

Fulgent Genetics
Classification: Uncertain significance for Colorectal cancer; Premature chromatid separation trait; Mosaic variegated aneuploidy syndrome 1. Last evaluated: 2023-12-28. Review status: criteria provided, single submitter. Criteria: ACMG Guidelines, 2015. Collection method: clinical testing. Allele origin: germline.

Labcorp Genetics (formerly Invitae), Labcorp
Classification: Uncertain significance for Mosaic variegated aneuploidy syndrome 1. Last evaluated: 2023-05-01. Review status: criteria provided, single submitter. Criteria: Invitae Variant Classification Sherloc (09022015). Collection method: clinical testing. Allele origin: germline.
Comment: This variant has not been reported in the literature in individuals affected with BUB1B-related conditions. This variant is not present in population databases (gnomAD no frequency). This sequence change replaces tryptophan, which is neutral and slightly polar, with cysteine, which is neutral and slightly polar, at codon 993 of the BUB1B protein (p.Trp993Cys). ClinVar contains an entry for this variant (Variation ID: 403747). An algorithm developed to predict the effect of missense changes on protein structure and function (PolyPhen-2) suggests that this variant is likely to be disruptive. In summary, the available evidence is currently insufficient to determine the role of this variant in disease. Therefore, it has been classified as a Variant of Uncertain Significance. Algorithms developed to predict the effect of sequence changes on RNA splicing suggest that this variant may disrupt the consensus splice site.

NM_001211.6(BUB1B):c.2979G>T (p.Trp993Cys)

Genes: BUB1B-PAK6 (BUB1B-PAK6 readthrough; plus strand), BUB1B (BUB1 mitotic checkpoint serine/threonine kinase B; plus strand). Cytogenetic location: 15q15.1.
Variant type: single nucleotide variant.
Coding change: c.2979G>T on transcript NM_001211.6 (MANE Select); coding-DNA position 2979, G replaced by T.
Protein change: p.Trp993Cys; replaces tryptophan 993 with cysteine.
Molecular consequence: missense variant. On other transcripts: intron variant (2).
Genome position (GRCh38, 1-based): chr15:40,220,585, G>T. VCF-style: chr15-40220585-G-T. GRCh37 (hg19) VCF-style: chr15-40512786-G-T.
Other names: c.-201+2918G>T (NM_001128628.3); c.-118+2918G>T (NM_001128629.3); short protein forms W993C.
Identifiers: ClinVar variation 403747 (VCV000403747.10), dbSNP rs1060499945, ClinGen allele CA16614362.
Genomic context (GRCh38, chr15:40,220,585, plus strand): 5'-ATGCCTAATCTTGATGGAAATGGTTTTATATATTTTTAGGCTAAAAGATGGTGAATTGTG[G>T]AATAAATTCTTTGTGCGGATTCTGAATGCCAATGATGAGGCCACAGTGTCTGTTCTTGGG-3'
Protein context (NP_001202.5, residues 983-1003): NISELKDGEL[Trp993Cys]NKFFVRILNA